The following is an entry in ClinVar:

ClinVar aggregate classification (germline): Pathogenic (1 of 4 stars; one submission).

Allele frequency attached by ClinVar (database versions not stated): TOPMed below 0.00001; gnomAD exomes 0.00001.

Submission:

Labcorp Genetics (formerly Invitae), Labcorp
Classification: Pathogenic. Last evaluated: 2022-12-20. Review status: criteria provided, single submitter. Criteria: Invitae Variant Classification Sherloc (09022015). Collection method: clinical testing. Allele origin: germline.
Comment: For these reasons, this variant has been classified as Pathogenic. This variant has not been reported in the literature in individuals affected with EYS-related conditions. This variant is not present in population databases (gnomAD no frequency). This sequence change creates a premature translational stop signal (p.Gly1464Glufs*7) in the EYS gene. It is expected to result in an absent or disrupted protein product. Loss-of-function variants in EYS are known to be pathogenic (PMID: 18836446, 20333770).

Literature cited by the submitters: PubMed 18836446; PubMed 20333770.

NM_001142800.2(EYS):c.4390_4391insA (p.Gly1464fs)

Gene: EYS (EGF-like photoreceptor maintenance factor; minus strand). Cytogenetic location: 6q12.
Variant type: Insertion.
Coding change: c.4390_4391insA on transcript NM_001142800.2 (MANE Select); coding-DNA positions 4390 to 4391, A inserted.
Protein change: p.Gly1464fs; shifts the reading frame from glycine 1464.
Molecular consequence: frameshift variant.
Genome position: GRCh38 VCF-style: chr6-64591476-C-CT. GRCh37 (hg19) VCF-style: chr6-65301369-C-CT.
Other names: c.4390_4391insA, p.Gly1464fs (NM_001292009.2); short protein forms G1464fs.
Identifiers: ClinVar variation 2022837 (VCV002022837.4), dbSNP rs1766408020, ClinGen allele CA645542553.